The following is an entry in ClinVar:

NM_018943.3(TUBA8):c.280A>G (p.Thr94Ala)

Gene: TUBA8 (tubulin alpha 8; plus strand). Cytogenetic location: 22q11.21.
Variant type: single nucleotide variant.
Coding change: c.280A>G on transcript NM_018943.3 (MANE Select); coding-DNA position 280, A replaced by G.
Protein change: p.Thr94Ala; replaces threonine 94 with alanine.
Molecular consequence: missense variant.
Genome position (GRCh38, 1-based): chr22:18,124,209, A>G. VCF-style: chr22-18124209-A-G. GRCh37 (hg19) VCF-style: chr22-18606976-A-G.
Other names: c.82A>G, p.Thr28Ala (NM_001193414.2); short protein forms T28A, T94A.
Identifiers: ClinVar variation 1449243 (VCV001449243.6), dbSNP rs765073897, ClinGen allele CA10093634.

ClinVar aggregate classification (germline): Uncertain significance (1 of 4 stars; one submission).

Allele frequency attached by ClinVar (database versions not stated): gnomAD 0.00001; ExAC 0.00002; TOPMed 0.00003; gnomAD exomes 0.00004 and 0.00007.
gnomAD v4.1: 108 of 1,614,102 alleles (0.0067%); highest among the groups gnomAD compares: East Asian, 0.018%; no homozygotes.

Submission:

Labcorp Genetics (formerly Invitae), Labcorp
Classification: Uncertain significance. Last evaluated: 2026-01-02. Review status: criteria provided, single submitter. Criteria: Invitae Variant Classification Sherloc (09022015). Collection method: clinical testing. Allele origin: germline.
Comment: This sequence change replaces threonine, which is neutral and polar, with alanine, which is neutral and non-polar, at codon 94 of the TUBA8 protein (p.Thr94Ala). This variant is present in population databases (rs765073897, gnomAD 0.02%). This variant has not been reported in the literature in individuals affected with TUBA8-related conditions. ClinVar contains an entry for this variant (Variation ID: 1449243). Invitae Evidence Modeling of protein sequence and biophysical properties (such as structural, functional, and spatial information, amino acid conservation, physicochemical variation, residue mobility, and thermodynamic stability) indicates that this missense variant is not expected to disrupt TUBA8 protein function with a negative predictive value of 80%. In summary, the available evidence is currently insufficient to determine the role of this variant in disease. Therefore, it has been classified as a Variant of Uncertain Significance.